The following is an entry in ClinVar:

ClinVar aggregate classification (germline): Uncertain significance. Review status: criteria provided, multiple submitters, no conflicts (2 of 4 stars). 2 submissions from 2 submitters: Uncertain significance (2). Last evaluated 2024-11-25.

Conditions:
Tuberous sclerosis syndrome (TSC). Also called: Tuberous Sclerosis Complex; Tuberous sclerosis. Identifiers: Orphanet 805, MedGen C0041341, MONDO:0001734.

Submissions (2):

GeneDx
Classification: Uncertain significance. Last evaluated: 2024-11-25. Review status: criteria provided, single submitter. Criteria: GeneDx Variant Classification Process June 2021. Collection method: clinical testing. Allele origin: germline. Affected: yes.
Comment: Not observed at significant frequency in large population cohorts (gnomAD); In silico analysis supports that this missense variant has a deleterious effect on protein structure/function; Has not been previously published as pathogenic or benign to our knowledge; This variant is associated with the following publications: (PMID: 18466115)

All of Us Research Program, National Institutes of Health
Classification: Uncertain significance for Tuberous sclerosis syndrome. Last evaluated: 2023-11-08. Review status: criteria provided, single submitter. Criteria: ACMG Guidelines, 2015. Collection method: clinical testing. Allele origin: germline. Inheritance: Autosomal dominant inheritance. Observed: 1 variant allele, 1 heterozygote.
Comment: This study involves interpretation of variants in research participants for the purpose of population health screening. Participant phenotype was not available at the time of variant classification. Additional details can be found in publication PMID: 35346344, PMCID: PMC8962531

NM_000548.5(TSC2):c.4820C>T (p.Thr1607Ile)

Gene: TSC2 (TSC complex subunit 2; plus strand). Cytogenetic location: 16p13.3.
Variant type: single nucleotide variant.
Coding change: c.4820C>T on transcript NM_000548.5 (MANE Select); coding-DNA position 4820, C replaced by T.
Protein change: p.Thr1607Ile; replaces threonine 1607 with isoleucine.
Molecular consequence: missense variant. On other transcripts: non-coding transcript variant (5).
Genome position (GRCh38, 1-based): chr16:2,086,350, C>T. VCF-style: chr16-2086350-C-T. GRCh37 (hg19) VCF-style: chr16-2136351-C-T.
Other names: c.4562C>T, p.Thr1521Ile (NM_001406677.1); c.4508C>T, p.Thr1503Ile (NM_001406678.1); c.4472C>T, p.Thr1491Ile (NM_001406679.1); c.4220C>T, p.Thr1407Ile (NM_001406680.1); c.4160C>T, p.Thr1387Ile (NM_001406681.1); c.4151C>T, p.Thr1384Ile (NM_001406682.1, NM_001406683.1); c.4148C>T, p.Thr1383Ile (NM_001406684.1); c.4022C>T, p.Thr1341Ile (NM_001406685.1, NM_001406686.1); and 26 more; short protein forms T1006I, T1092I, T1093I, T1115I, T1116I, T1136I, T1340I, T1341I.
Identifiers: ClinVar variation 3072508 (VCV003072508.2), dbSNP rs2151575668, ClinGen allele CA394308096.
Genomic context (GRCh38, chr16:2,086,350, plus strand): 5'-GCCAGCCGGACAAGGTGTACCTGGGAGGCCTGGACGTGTGTGGTGAGGACGGCCAGTTCA[C>T]CTACTGCTGGCACGATGACATCATGCAAGGTACGGCCTGGCGCCTACCCGCTCCTGCTGC-3'
Protein context (NP_000539.2, residues 1597-1617): LDVCGEDGQF[Thr1607Ile]YCWHDDIMQA